The following is an entry in ClinVar:

NM_032977.4(CASP10):c.595CCT[1] (p.Pro200del)

Gene: CASP10 (caspase 10; plus strand). Cytogenetic location: 2q33.1.
Variant type: Microsatellite.
Coding change: c.595CCT[1] on transcript NM_032977.4 (MANE Select); one copy of the 3-base unit CCT starting at c.595; the reference has two copies in a row; one copy, 3 bases deleted.
Protein change: p.Pro200del; deletes proline 200.
Molecular consequence: inframe deletion.
Genome position (GRCh38, 1-based): chr2:201,195,862-201,195,864, CCT deleted; deleting any 3 consecutive bases within chr2:201,195,859-201,195,864 gives the same sequence; the position shown is the placement nearest the transcript's 3' end. VCF-style (leftmost placement, unchanged base first): chr2-201195858-ACCT-A. GRCh37 (hg19) VCF-style: chr2-202060581-ACCT-A.
Other names: c.595CCT[1], p.Pro200del (NM_001206524.2, NM_001206542.2, NM_001230.5 and 3 more transcripts); short protein forms P200del.
Identifiers: ClinVar variation 3751286 (VCV003751286.2).

ClinVar aggregate classification (germline): Uncertain significance (1 of 4 stars; one submission).

Conditions:
Autoimmune lymphoproliferative syndrome type 2A (ALPS2A). Also called: CASP10-Related Autoimmune Lymphoproliferative Syndrome; AUTOIMMUNE LYMPHOPROLIFERATIVE SYNDROME, TYPE IIA; Autoimmune lymphoproliferative syndrome type 2. Identifiers: Orphanet 3261, MedGen C1858968, MONDO:0011383, OMIM 603909.

Submission:

Labcorp Genetics (formerly Invitae), Labcorp
Classification: Uncertain significance for Autoimmune lymphoproliferative syndrome type 2A. Last evaluated: 2026-02-02. Review status: criteria provided, single submitter. Criteria: Invitae Variant Classification Sherloc (09022015). Collection method: clinical testing. Allele origin: germline.
Comment: This variant, c.598_600del, results in the deletion of 1 amino acid(s) of the CASP10 protein (p.Pro200del), but otherwise preserves the integrity of the reading frame. This variant is not present in population databases (gnomAD no frequency). This variant has not been reported in the literature in individuals affected with CASP10-related conditions. In summary, the available evidence is currently insufficient to determine the role of this variant in disease. Therefore, it has been classified as a Variant of Uncertain Significance.